The following is an entry in ClinVar:

ClinVar aggregate classification (germline): Uncertain significance (1 of 4 stars; one submission).

Conditions:
Hyperphosphatasia with impaired intellectual development syndrome 2. Also called: Hyperphosphatasia with intellectual disability syndrome 2; GLYCOSYLPHOSPHATIDYLINOSITOL BIOSYNTHESIS DEFECT 6. Identifiers: Orphanet 247262, MedGen C3553637, MONDO:0013882, OMIM 614749.

Submission:

Labcorp Genetics (formerly Invitae), Labcorp
Classification: Uncertain significance for Hyperphosphatasia with impaired intellectual development syndrome 2. Last evaluated: 2022-07-26. Review status: criteria provided, single submitter. Criteria: Invitae Variant Classification Sherloc (09022015). Collection method: clinical testing. Allele origin: germline.
Comment: In summary, the available evidence is currently insufficient to determine the role of this variant in disease. Therefore, it has been classified as a Variant of Uncertain Significance. Algorithms developed to predict the effect of missense changes on protein structure and function are either unavailable or do not agree on the potential impact of this missense change (SIFT: "Tolerated"; PolyPhen-2: "Probably Damaging"; Align-GVGD: "Class C0"). ClinVar contains an entry for this variant (Variation ID: 1063457). This variant has not been reported in the literature in individuals affected with PIGO-related conditions. This variant is not present in population databases (gnomAD no frequency). This sequence change replaces valine, which is neutral and non-polar, with alanine, which is neutral and non-polar, at codon 343 of the PIGO protein (p.Val343Ala).

NM_032634.4(PIGO):c.1028T>C (p.Val343Ala)

Gene: PIGO (phosphatidylinositol glycan anchor biosynthesis class O; minus strand). Cytogenetic location: 9p13.3.
Variant type: single nucleotide variant.
Coding change: c.1028T>C on transcript NM_032634.4 (MANE Select); coding-DNA position 1028, T replaced by C.
Protein change: p.Val343Ala; replaces valine 343 with alanine.
Molecular consequence: missense variant.
Genome position (GRCh38, 1-based): chr9:35,093,121, A>G on the plus strand (T>C on the coding strand, the complement: PIGO is on the minus strand). VCF-style: chr9-35093121-A-G. GRCh37 (hg19) VCF-style: chr9-35093118-A-G.
Other names: c.1028T>C, p.Val343Ala (NM_001201484.2, NM_152850.4); short protein forms V343A.
Identifiers: ClinVar variation 1063457 (VCV001063457.9), dbSNP rs2131078846, ClinGen allele CA373322972.